The following is an entry in ClinVar:

NM_000587.4(C7):c.635C>T (p.Ser212Leu)

Gene: C7 (complement C7; plus strand). Cytogenetic location: 5p13.1.
Variant type: single nucleotide variant.
Coding change: c.635C>T on transcript NM_000587.4 (MANE Select); coding-DNA position 635, C replaced by T.
Protein change: p.Ser212Leu; replaces serine 212 with leucine.
Molecular consequence: missense variant.
Genome position (GRCh38, 1-based): chr5:40,945,265, C>T. VCF-style: chr5-40945265-C-T. GRCh37 (hg19) VCF-style: chr5-40945367-C-T.
Other names: short protein forms S212L.
Identifiers: ClinVar variation 1347204 (VCV001347204.5), dbSNP rs774733206, ClinGen allele CA3249704.
Genomic context (GRCh38, chr5:40,945,265, plus strand): 5'-TAAATAATGATTTTAATTATGAATTTTACAATAGTACTTGGTCTTATGTAAAACATACGT[C>T]GACAGAACACACATCATCTAGTCGGAAGCGCTCCTTTTTTAGATCTTCATCATCTTCTTC-3'
Protein context (NP_000578.2, residues 202-222): NSTWSYVKHT[Ser212Leu]TEHTSSSRKR

ClinVar aggregate classification (germline): Uncertain significance (1 of 4 stars; one submission).

Allele frequency attached by ClinVar (database versions not stated): gnomAD 0.00001; TOPMed 0.00002.
gnomAD v4.1: 13 of 1,585,746 alleles (0.00082%); highest among the groups gnomAD compares: South Asian, 0.0023%; no homozygotes.

Submission:

Labcorp Genetics (formerly Invitae), Labcorp
Classification: Uncertain significance. Last evaluated: 2021-08-14. Review status: criteria provided, single submitter. Criteria: Invitae Variant Classification Sherloc (09022015). Collection method: clinical testing. Allele origin: germline.
Comment: This sequence change replaces serine with leucine at codon 212 of the C7 protein (p.Ser212Leu). The serine residue is moderately conserved and there is a large physicochemical difference between serine and leucine. This variant is present in population databases (rs774733206, ExAC 0.002%). This variant has not been reported in the literature in individuals affected with C7-related conditions. Algorithms developed to predict the effect of missense changes on protein structure and function output the following: SIFT: "Tolerated"; PolyPhen-2: "Benign"; Align-GVGD: "Class C0". The leucine amino acid residue is found in multiple mammalian species, which suggests that this missense change does not adversely affect protein function. In summary, the available evidence is currently insufficient to determine the role of this variant in disease. Therefore, it has been classified as a Variant of Uncertain Significance.